The following is an entry in ClinVar:

ClinVar aggregate classification (germline): Benign (1 of 4 stars; one submission).

Conditions:
Familial cancer of breast. Also called: BREAST CANCER, FAMILIAL; Hereditary breast cancer; hereditary breast carcinoma. Identifiers: Orphanet 227535, MedGen C0346153, MONDO:0016419, OMIM 114480. Disease mechanism: loss of function.

Submission:

Myriad Genetics, Inc.
Classification: Benign for Familial cancer of breast. Last evaluated: 2024-05-23. Review status: criteria provided, single submitter. Criteria: Myriad Autosomal Dominant, Autosomal Recessive and X-Linked Classification Criteria (2023). Collection method: clinical testing. Allele origin: unknown.
Comment: This variant is considered benign. This variant is a silent/synonymous amino acid change and it is not expected to impact splicing.

NM_000051.4(ATM):c.5643C>T (p.Ser1881=)

Gene: ATM (ATM serine/threonine kinase; plus strand). Cytogenetic location: 11q22.3.
Variant type: single nucleotide variant.
Coding change: c.5643C>T on transcript NM_000051.4 (MANE Select); coding-DNA position 5643, C replaced by T.
Protein change: p.Ser1881=; no amino-acid change (serine 1881 retained).
Molecular consequence: synonymous variant.
Genome position (GRCh38, 1-based): chr11:108,304,821, C>T. VCF-style: chr11-108304821-C-T. GRCh37 (hg19) VCF-style: chr11-108175548-C-T.
Other names: c.5643C>T, p.Ser1881= (NM_001351834.2).
Identifiers: ClinVar variation 3254200 (VCV003254200.1), dbSNP rs2083604722.